The following is an entry in ClinVar:

NM_005235.3(ERBB4):c.545G>C (p.Gly182Ala)

Gene: ERBB4 (erb-b2 receptor tyrosine kinase 4; minus strand). Cytogenetic location: 2q34.
Variant type: single nucleotide variant.
Coding change: c.545G>C on transcript NM_005235.3 (MANE Select); coding-DNA position 545, G replaced by C.
Protein change: p.Gly182Ala; replaces glycine 182 with alanine.
Molecular consequence: missense variant.
Genome position (GRCh38, 1-based): chr2:211,788,036, C>G on the plus strand (G>C on the coding strand, the complement: ERBB4 is on the minus strand). VCF-style: chr2-211788036-C-G. GRCh37 (hg19) VCF-style: chr2-212652761-C-G.
Other names: c.545G>C, p.Gly182Ala (NM_001042599.2, NM_001439005.1, NM_001439006.1); short protein forms G182A.
Identifiers: ClinVar variation 4854159 (VCV004854159.1).

ClinVar aggregate classification (germline): Uncertain significance (1 of 4 stars; one submission).

Conditions:
Amyotrophic lateral sclerosis type 19. Identifiers: Orphanet 803, MedGen C3715155, MONDO:0014223, OMIM 615515.

Submission:

3billion
Classification: Uncertain significance for Amyotrophic lateral sclerosis type 19. Last evaluated: 2025-12-08. Review status: criteria provided, single submitter. Criteria: ACMG Guidelines, 2015. Collection method: clinical testing. Allele origin: germline. Affected: yes.
Comment: The variant is not observed in the gnomAD v4.1.0 dataset. Predicted Consequence/Location: Missense variant Therefore, this variant is classified as VUS according to the recommendation of ACMG/AMP guideline.